The following is an entry in ClinVar:

NM_139276.3(STAT3):c.*1853A>G

Gene: STAT3 (signal transducer and activator of transcription 3; minus strand). Cytogenetic location: 17q21.2.
Variant type: single nucleotide variant.
Coding change: c.*1853A>G on transcript NM_139276.3 (MANE Select); 1853 bases downstream of the stop codon, A replaced by G.
Molecular consequence: 3 prime UTR variant.
Genome position (GRCh38, 1-based): chr17:42,313,892, T>C on the plus strand (A>G on the coding strand, the complement: STAT3 is on the minus strand). VCF-style: chr17-42313892-T-C. GRCh37 (hg19) VCF-style: chr17-40465910-T-C.
Other names: c.*1853A>G (NM_001369512.1, NM_001369513.1, NM_001369514.1 and 10 more transcripts); c.*1947A>G (NM_001369517.1, NM_001369518.1, NM_001369519.1 and 4 more transcripts).
Identifiers: ClinVar variation 323213 (VCV000323213.6), dbSNP rs1053005, ClinGen allele CA10650130.

ClinVar aggregate classification (germline): Benign. Review status: criteria provided, multiple submitters, no conflicts (2 of 4 stars). 2 submissions from 2 submitters: Benign (2). Last evaluated 2018-01-13.

Conditions:
Hyper-IgE recurrent infection syndrome 1, autosomal dominant. Also called: HYPER-IgE SYNDROME 1, AUTOSOMAL DOMINANT, WITH RECURRENT INFECTIONS; JOB SYNDROME; Job's Syndrome; STAT3 Hyper IgE Syndrome; Hyper-IgE recurrent infection syndrome 1. Identifiers: Orphanet 2314, MedGen C2936739, MONDO:0007818, OMIM 147060.

Allele frequency attached by ClinVar (database versions not stated): gnomAD exomes 0.23193; gnomAD 0.25080 and 0.25236; TOPMed 0.25421; 1000 Genomes Project 30x 0.29435; 1000 Genomes Project 0.30012.
gnomAD v4.1: 56,957 of 232,250 alleles (25%); highest among the groups gnomAD compares: African/African-American, 38%; 7,910 homozygotes.

Submissions (2):

Illumina Laboratory Services, Illumina
Classification: Benign for Hyper-IgE recurrent infection syndrome 1, autosomal dominant. Last evaluated: 2018-01-13. Review status: criteria provided, single submitter. Criteria: ICSL Variant Classification Criteria 13 December 2019. Collection method: clinical testing. Allele origin: germline.
Comment: This variant was observed in the ICSL laboratory as part of a predisposition screen in an ostensibly healthy population. It had not been previously curated by ICSL or reported in the Human Gene Mutation Database (HGMD: prior to June 1st, 2018), and was therefore a candidate for classification through an automated scoring system. Utilizing variant allele frequency, disease prevalence and penetrance estimates, and inheritance mode, an automated score was calculated to assess if this variant is too frequent to cause the disease. Based on the score and internal cut-off values, a variant classified as benign is not then subjected to further curation. The score for this variant resulted in a classification of benign for this disease.

Breakthrough Genomics
Classification: Benign. Review status: criteria provided, single submitter. Criteria: ACMG Guidelines, 2015. Collection method: not provided. Allele origin: germline. Inheritance: Autosomal dominant inheritance. Affected: yes.